The following is an entry in ClinVar:

NM_000368.5(TSC1):c.838C>G (p.Gln280Glu)

Gene: TSC1 (TSC complex subunit 1; minus strand). Cytogenetic location: 9q34.13.
Variant type: single nucleotide variant.
Coding change: c.838C>G on transcript NM_000368.5 (MANE Select); coding-DNA position 838, C replaced by G.
Protein change: p.Gln280Glu; replaces glutamine 280 with glutamic acid.
Molecular consequence: missense variant.
Genome position (GRCh38, 1-based): chr9:132,912,357, G>C on the plus strand (C>G on the coding strand, the complement: TSC1 is on the minus strand). VCF-style: chr9-132912357-G-C. GRCh37 (hg19) VCF-style: chr9-135787744-G-C.
Other names: c.838C>G, p.Gln280Glu (NM_001162426.2); c.685C>G, p.Gln229Glu (NM_001162427.2); c.475C>G, p.Gln159Glu (NM_001362177.2); short protein forms Q280E, Q159E, Q229E.
Identifiers: ClinVar variation 1352613 (VCV001352613.8), dbSNP rs118203458, ClinGen allele CA375369302.

ClinVar aggregate classification (germline): Uncertain significance (1 of 4 stars; one submission).

Conditions:
Tuberous sclerosis 1 (TSC1). Identifiers: Orphanet 805, MedGen C1854465, MONDO:0008612, OMIM 191100.

Allele frequency attached by ClinVar (database versions not stated): gnomAD exomes below 0.00001.

Submission:

Labcorp Genetics (formerly Invitae), Labcorp
Classification: Uncertain significance for Tuberous sclerosis 1. Last evaluated: 2023-05-07. Review status: criteria provided, single submitter. Criteria: Invitae Variant Classification Sherloc (09022015). Collection method: clinical testing. Allele origin: germline.
Comment: ClinVar contains an entry for this variant (Variation ID: 1352613). Advanced modeling of protein sequence and biophysical properties (such as structural, functional, and spatial information, amino acid conservation, physicochemical variation, residue mobility, and thermodynamic stability) performed at Invitae indicates that this missense variant is not expected to disrupt TSC1 protein function. In summary, the available evidence is currently insufficient to determine the role of this variant in disease. Therefore, it has been classified as a Variant of Uncertain Significance. This variant has not been reported in the literature in individuals affected with TSC1-related conditions. This sequence change replaces glutamine, which is neutral and polar, with glutamic acid, which is acidic and polar, at codon 280 of the TSC1 protein (p.Gln280Glu). This variant is not present in population databases (gnomAD no frequency).